The following is an entry in ClinVar:

NM_017934.7(PHIP):c.2540A>G (p.Asp847Gly)

Gene: PHIP (PHIP subunit of CUL4-Ring ligase complex; minus strand). Cytogenetic location: 6q14.1.
Variant type: single nucleotide variant.
Coding change: c.2540A>G on transcript NM_017934.7 (MANE Select); coding-DNA position 2540, A replaced by G.
Protein change: p.Asp847Gly; replaces aspartic acid 847 with glycine.
Molecular consequence: missense variant.
Genome position (GRCh38, 1-based): chr6:78,983,115, T>C on the plus strand (A>G on the coding strand, the complement: PHIP is on the minus strand). VCF-style: chr6-78983115-T-C. GRCh37 (hg19) VCF-style: chr6-79692832-T-C.
Other names: short protein forms D847G.
Identifiers: ClinVar variation 2770786 (VCV002770786.3), dbSNP rs753647059, ClinGen allele CA364650239.

ClinVar aggregate classification (germline): Uncertain significance (1 of 4 stars; one submission).

Submission:

Labcorp Genetics (formerly Invitae), Labcorp
Classification: Uncertain significance. Last evaluated: 2023-10-22. Review status: criteria provided, single submitter. Criteria: Invitae Variant Classification Sherloc (09022015). Collection method: clinical testing. Allele origin: germline.
Comment: This sequence change replaces aspartic acid, which is acidic and polar, with glycine, which is neutral and non-polar, at codon 847 of the PHIP protein (p.Asp847Gly). This variant is not present in population databases (gnomAD no frequency). This variant has not been reported in the literature in individuals affected with PHIP-related conditions. Experimental studies and prediction algorithms are not available or were not evaluated, and the functional significance of this variant is currently unknown. In summary, the available evidence is currently insufficient to determine the role of this variant in disease. Therefore, it has been classified as a Variant of Uncertain Significance.